The following is an entry in ClinVar:

ClinVar aggregate classification (germline): Uncertain significance. Review status: criteria provided, multiple submitters, no conflicts (2 of 4 stars). 2 submissions from 2 submitters: Uncertain significance (2). Last evaluated 2024-05-06.

Conditions:
Developmental and epileptic encephalopathy, 9 (DEE9). Also called: Early infantile epileptic encephalopathy 9; EPILEPSY, FEMALE-RESTRICTED, WITH MENTAL RETARDATION; JUBERG-HELLMAN SYNDROME; PCDH19-Related X-Linked Female-Limited Epilepsy with Mental Retardation. Identifiers: Orphanet 101039, Orphanet 2076, MedGen C1848137, MONDO:0010246, OMIM 300088. Disease mechanism: loss of function.

Submissions (2):

Labcorp Genetics (formerly Invitae), Labcorp
Classification: Uncertain significance for Developmental and epileptic encephalopathy, 9. Last evaluated: 2024-05-06. Review status: criteria provided, single submitter. Criteria: Invitae Variant Classification Sherloc (09022015). Collection method: clinical testing. Allele origin: germline.
Comment: This sequence change replaces serine, which is neutral and polar, with arginine, which is basic and polar, at codon 239 of the PCDH19 protein (p.Ser239Arg). This variant is not present in population databases (gnomAD no frequency). This variant has not been reported in the literature in individuals affected with PCDH19-related conditions. ClinVar contains an entry for this variant (Variation ID: 436171). Advanced modeling of protein sequence and biophysical properties (such as structural, functional, and spatial information, amino acid conservation, physicochemical variation, residue mobility, and thermodynamic stability) performed at Invitae indicates that this missense variant is not expected to disrupt PCDH19 protein function with a negative predictive value of 95%. In summary, the available evidence is currently insufficient to determine the role of this variant in disease. Therefore, it has been classified as a Variant of Uncertain Significance.

Genetic Services Laboratory, University of Chicago
Classification: Uncertain significance. Last evaluated: 2016-08-22. Review status: criteria provided, single submitter. Criteria: ACMG Guidelines, 2015. Collection method: clinical testing. Allele origin: germline. Affected: no.

NM_001184880.2(PCDH19):c.717C>G (p.Ser239Arg)

Gene: PCDH19 (protocadherin 19; minus strand). Cytogenetic location: Xq22.1.
Variant type: single nucleotide variant.
Coding change: c.717C>G on transcript NM_001184880.2 (MANE Select); coding-DNA position 717, C replaced by G.
Protein change: p.Ser239Arg; replaces serine 239 with arginine.
Molecular consequence: missense variant.
Genome position (GRCh38, 1-based): chrX:100,407,881, G>C on the plus strand (C>G on the coding strand, the complement: PCDH19 is on the minus strand). VCF-style: chrX-100407881-G-C. GRCh37 (hg19) VCF-style: chrX-99662879-G-C.
Other names: c.717C>G, p.Ser239Arg (NM_001105243.2, NM_020766.3); short protein forms S239R.
Identifiers: ClinVar variation 436171 (VCV000436171.8), dbSNP rs199628956, ClinGen allele CA414008487.
Genomic context (GRCh38, chrX:100,407,881, plus strand): 5'-GCGGATGACGGGTGTGTTGGGAGGCGAGTTTTCTGGCACGCTCACCGCGTAGGTGGACTC[G>C]CTAAACACCGGGTTGTTGTCATTGGAGTCGGTCACCTTGATACTAAGGCCAACGGTGCCC-3'
Protein context (NP_001171809.1, residues 229-249): TDSNDNNPVF[Ser239Arg]ESTYAVSVPE